The following is an entry in ClinVar:

NM_000535.7(PMS2):c.1967A>G (p.Glu656Gly)

Gene: PMS2 (PMS1 homolog 2, mismatch repair system component; minus strand). Cytogenetic location: 7p22.1.
Variant type: single nucleotide variant.
Coding change: c.1967A>G on transcript NM_000535.7 (MANE Select); coding-DNA position 1967, A replaced by G.
Protein change: p.Glu656Gly; replaces glutamic acid 656 with glycine.
Molecular consequence: missense variant. On other transcripts: non-coding transcript variant (1).
Genome position (GRCh38, 1-based): chr7:5,986,798, T>C on the plus strand (A>G on the coding strand, the complement: PMS2 is on the minus strand). VCF-style: chr7-5986798-T-C. GRCh37 (hg19) VCF-style: chr7-6026429-T-C.
Other names: c.1562A>G, p.Glu521Gly (NM_001322003.2, NM_001322004.2, NM_001322005.2 and 1 more transcripts); c.1811A>G, p.Glu604Gly (NM_001322006.2); c.1649A>G, p.Glu550Gly (NM_001322007.2, NM_001322008.2); c.1658A>G, p.Glu553Gly (NM_001322015.2); c.1034A>G, p.Glu345Gly (NM_001322011.2, NM_001322012.2); c.1394A>G, p.Glu465Gly (NM_001322013.2); c.1967A>G, p.Glu656Gly (NM_001322014.2); c.1406A>G, p.Glu469Gly (NM_001322010.2); short protein forms E345G, E521G, E553G, E550G, E465G, E469G, E604G, E656G.
Identifiers: ClinVar variation 820425 (VCV000820425.10), dbSNP rs1481127167, ClinGen allele CA366739040.
Genomic context (GRCh38, chr7:5,986,798, plus strand): 5'-AGTAAAAAATTAAAACTTTACCTTATCTCTTTTCTTAGTTCATCTTCGGCTGCTTGATTT[T>C]CTCCAGGACAAATCTTTGCCCTAAACTTCCTGTAATTCTGTTCCCCTTCACTTTGCTGTG-3'
Protein context (NP_000526.2, residues 646-666): RKFRAKICPG[Glu656Gly]NQAAEDELRK

ClinVar aggregate classification (germline): Uncertain significance. Review status: criteria provided, multiple submitters, no conflicts (2 of 4 stars). 2 submissions from 2 submitters: Uncertain significance (2). Last evaluated 2024-08-13.

Conditions:
Hereditary nonpolyposis colorectal neoplasms. Identifiers: MedGen C0009405, MeSH D003123.
Hereditary cancer-predisposing syndrome. Also called: Neoplastic Syndromes, Hereditary; Tumor predisposition; Hereditary Cancer Syndrome; Hereditary neoplastic syndrome. Identifiers: Orphanet 140162, MedGen C0027672, MeSH D009386, MONDO:0015356.

Allele frequency attached by ClinVar (database versions not stated): gnomAD exomes below 0.00001; TOPMed below 0.00001; gnomAD 0.00001.
gnomAD v4.1: 2 of 1,608,528 alleles (0.00012%); highest among the groups gnomAD compares: African/African-American, 0.0013%; no homozygotes.

Submissions (2):

Ambry Genetics
Classification: Uncertain significance for Hereditary cancer-predisposing syndrome. Last evaluated: 2024-08-13. Review status: criteria provided, single submitter. Criteria: Ambry Variant Classification Scheme 2023. Collection method: clinical testing. Allele origin: germline.
Comment: The p.E656G variant (also known as c.1967A>G), located in coding exon 11 of the PMS2 gene, results from an A to G substitution at nucleotide position 1967. The glutamic acid at codon 656 is replaced by glycine, an amino acid with similar properties. This amino acid position is well conserved in available vertebrate species. In addition, the in silico prediction for this alteration is inconclusive. Since supporting evidence is limited at this time, the clinical significance of this alteration remains unclear.

Labcorp Genetics (formerly Invitae), Labcorp
Classification: Uncertain significance for Hereditary nonpolyposis colorectal neoplasms. Last evaluated: 2022-06-08. Review status: criteria provided, single submitter. Criteria: Invitae Variant Classification Sherloc (09022015). Collection method: clinical testing. Allele origin: germline.
Comment: In summary, the available evidence is currently insufficient to determine the role of this variant in disease. Therefore, it has been classified as a Variant of Uncertain Significance. Advanced modeling of protein sequence and biophysical properties (such as structural, functional, and spatial information, amino acid conservation, physicochemical variation, residue mobility, and thermodynamic stability) performed at Invitae indicates that this missense variant is not expected to disrupt PMS2 protein function. ClinVar contains an entry for this variant (Variation ID: 820425). This variant has not been reported in the literature in individuals affected with PMS2-related conditions. This variant is not present in population databases (gnomAD no frequency). This sequence change replaces glutamic acid, which is acidic and polar, with glycine, which is neutral and non-polar, at codon 656 of the PMS2 protein (p.Glu656Gly).